The following is an entry in ClinVar:

ClinVar aggregate classification (germline): Uncertain significance (1 of 4 stars; one submission).

Conditions:
Mucopolysaccharidosis, MPS-III-D (MPS3D). Also called: N-ACETYLGLUCOSAMINE-6-SULFATASE DEFICIENCY; SANFILIPPO SYNDROME D; MPS III D; Mucopoly-saccharidosis type 3D; N-acetylglucosamine-6-sulfate sulfatase deficiency; MPS 3D. Identifiers: Orphanet 581, Orphanet 79272, MedGen C0086650, MONDO:0009658, OMIM 252940.

Allele frequency attached by ClinVar (database versions not stated): gnomAD exomes below 0.00001.
gnomAD v4.1: 1 of 1,584,886 alleles (0.000063%); highest among the groups gnomAD compares: African/African-American, 0.0013%; no homozygotes.

Submission:

Labcorp Genetics (formerly Invitae), Labcorp
Classification: Uncertain significance for Mucopolysaccharidosis, MPS-III-D. Last evaluated: 2022-04-28. Review status: criteria provided, single submitter. Criteria: Invitae Variant Classification Sherloc (09022015). Collection method: clinical testing. Allele origin: germline.
Comment: This sequence change replaces lysine, which is basic and polar, with arginine, which is basic and polar, at codon 149 of the GNS protein (p.Lys149Arg). This variant is not present in population databases (gnomAD no frequency). This variant has not been reported in the literature in individuals affected with GNS-related conditions. Algorithms developed to predict the effect of missense changes on protein structure and function (SIFT, PolyPhen-2, Align-GVGD) all suggest that this variant is likely to be disruptive. In summary, the available evidence is currently insufficient to determine the role of this variant in disease. Therefore, it has been classified as a Variant of Uncertain Significance.

NM_002076.4(GNS):c.446A>G (p.Lys149Arg)

Gene: GNS (glucosamine (N-acetyl)-6-sulfatase; minus strand). Cytogenetic location: 12q14.3.
Variant type: single nucleotide variant.
Coding change: c.446A>G on transcript NM_002076.4 (MANE Select); coding-DNA position 446, A replaced by G.
Protein change: p.Lys149Arg; replaces lysine 149 with arginine.
Molecular consequence: missense variant.
Genome position (GRCh38, 1-based): chr12:64,747,725, T>C on the plus strand (A>G on the coding strand, the complement: GNS is on the minus strand). VCF-style: chr12-64747725-T-C. GRCh37 (hg19) VCF-style: chr12-65141505-T-C.
Other names: short protein forms K149R.
Identifiers: ClinVar variation 2131027 (VCV002131027.1), dbSNP rs2539527724, ClinGen allele CA385610716.